The following is an entry in ClinVar:

NM_000069.3(CACNA1S):c.2658G>T (p.Glu886Asp)

Gene: CACNA1S (calcium voltage-gated channel subunit alpha1 S; minus strand). Cytogenetic location: 1q32.1.
Variant type: single nucleotide variant.
Coding change: c.2658G>T on transcript NM_000069.3 (MANE Select); coding-DNA position 2658, G replaced by T.
Protein change: p.Glu886Asp; replaces glutamic acid 886 with aspartic acid.
Molecular consequence: missense variant.
Genome position (GRCh38, 1-based): chr1:201,066,316, C>A on the plus strand (G>T on the coding strand, the complement: CACNA1S is on the minus strand). VCF-style: chr1-201066316-C-A. GRCh37 (hg19) VCF-style: chr1-201035444-C-A.
Other names: short protein forms E886D.
Identifiers: ClinVar variation 3758167 (VCV003758167.2).
Genomic context (GRCh38, chr1:201,066,316, plus strand): 5'-TCTGAGTGGTCGGAGCACCCTCAGCACCCTCAGGATCTTCACCACGGAGATGGCACTGGA[C>A]CTGGGGGGCGGCAATGGTGAGGGGGCTGAGGGCAGCCTGCTCCAGCCAGCCCAGTCTGCG-3'
Protein context (NP_000060.2, residues 876-896): VAVSLISMGL[Glu886Asp]SSAISVVKIL

ClinVar aggregate classification (germline): Uncertain significance (1 of 4 stars; one submission).

Conditions:
Hypokalemic periodic paralysis, type 1. Also called: HypoPP; Hypokalemic Periodic Paralysis Type 1 (AD). Identifiers: Orphanet 681, MedGen C3714580, MONDO:0042979, OMIM 170400.
Malignant hyperthermia, susceptibility to, 5 (MHS5). Also called: CACNA1S-Related Malignant Hyperthermia Susceptibility. Identifiers: Orphanet 423, MedGen C1866077, MONDO:0011163, OMIM 601887.

gnomAD v4.1: 1 of 1,610,202 alleles (0.000062%); no homozygotes.

Submission:

Labcorp Genetics (formerly Invitae), Labcorp
Classification: Uncertain significance for Hypokalemic periodic paralysis, type 1; Malignant hyperthermia, susceptibility to, 5. Last evaluated: 2025-12-08. Review status: criteria provided, single submitter. Criteria: Invitae Variant Classification Sherloc (09022015). Collection method: clinical testing. Allele origin: germline.
Comment: This sequence change replaces glutamic acid, which is acidic and polar, with aspartic acid, which is acidic and polar, at codon 886 of the CACNA1S protein (p.Glu886Asp). This variant is not present in population databases (gnomAD no frequency). This variant has not been reported in the literature in individuals affected with CACNA1S-related conditions. ClinVar contains an entry for this variant (Variation ID: 3758167). Invitae Evidence Modeling of protein sequence and biophysical properties (such as structural, functional, and spatial information, amino acid conservation, physicochemical variation, residue mobility, and thermodynamic stability) indicates that this missense variant is not expected to disrupt CACNA1S protein function with a negative predictive value of 95%. In summary, the available evidence is currently insufficient to determine the role of this variant in disease. Therefore, it has been classified as a Variant of Uncertain Significance.